The following is an entry in ClinVar:

NM_016038.4(SBDS):c.695G>A (p.Gly232Asp)

Gene: SBDS (SBDS ribosome maturation factor; minus strand). Cytogenetic location: 7q11.21.
Variant type: single nucleotide variant.
Coding change: c.695G>A on transcript NM_016038.4 (MANE Select); coding-DNA position 695, G replaced by A.
Protein change: p.Gly232Asp; replaces glycine 232 with aspartic acid.
Molecular consequence: missense variant.
Genome position (GRCh38, 1-based): chr7:66,988,429, C>T on the plus strand (G>A on the coding strand, the complement: SBDS is on the minus strand). VCF-style: chr7-66988429-C-T. GRCh37 (hg19) VCF-style: chr7-66453416-C-T.
Other names: short protein forms G232D.
Identifiers: ClinVar variation 3792751 (VCV003792751.1).

ClinVar aggregate classification (germline): Uncertain significance (1 of 4 stars; one submission).

Conditions:
Inborn genetic diseases. Identifiers: MedGen C0950123, MeSH D030342.

Submission:

Ambry Genetics
Classification: Uncertain significance for Inborn genetic diseases. Last evaluated: 2025-03-01. Review status: criteria provided, single submitter. Criteria: Ambry Variant Classification Scheme 2023. Collection method: clinical testing. Allele origin: germline.
Comment: The p.G232D variant (also known as c.695G>A), located in coding exon 5 of the SBDS gene, results from a G to A substitution at nucleotide position 695. The glycine at codon 232 is replaced by aspartic acid, an amino acid with similar properties. This amino acid position is conserved. In addition, this alteration is predicted to be deleterious by in silico analysis. Based on the available evidence, the clinical significance of this variant remains unclear.